The following is an entry in ClinVar:

NM_001447.3(FAT2):c.12611C>T (p.Pro4204Leu)

Genes: FAT2 (FAT atypical cadherin 2; minus strand), SLC36A1 (solute carrier family 36 member 1; plus strand). Cytogenetic location: 5q33.1.
Variant type: single nucleotide variant.
Coding change: c.12611C>T on transcript NM_001447.3 (MANE Select); coding-DNA position 12611, C replaced by T.
Protein change: p.Pro4204Leu; replaces proline 4204 with leucine.
Molecular consequence: missense variant.
Genome position (GRCh38, 1-based): chr5:151,506,004, G>A on the plus strand (C>T on the coding strand, the complement: FAT2 is on the minus strand). VCF-style: chr5-151506004-G-A. GRCh37 (hg19) VCF-style: chr5-150885565-G-A.
Other names: short protein forms P4204L.
Identifiers: ClinVar variation 3093102 (VCV003093102.3), dbSNP rs775680918, ClinGen allele CA3519723.

ClinVar aggregate classification (germline): Uncertain significance. Review status: criteria provided, multiple submitters, no conflicts (2 of 4 stars). 2 submissions from 2 submitters: Uncertain significance (2). Last evaluated 2025-11-23.

Allele frequency attached by ClinVar (database versions not stated): gnomAD exomes 0.00004; ExAC 0.00002; gnomAD 0.00003; TOPMed 0.00004.
gnomAD v4.1: 64 of 1,575,884 alleles (0.0041%); highest among the groups gnomAD compares: Middle Eastern, 0.085%; no homozygotes.

Submissions (2):

Labcorp Genetics (formerly Invitae), Labcorp
Classification: Uncertain significance. Last evaluated: 2025-11-23. Review status: criteria provided, single submitter. Criteria: Invitae Variant Classification Sherloc (09022015). Collection method: clinical testing. Allele origin: germline.
Comment: This sequence change replaces proline, which is neutral and non-polar, with leucine, which is neutral and non-polar, at codon 4204 of the FAT2 protein (p.Pro4204Leu). This variant is present in population databases (rs775680918, gnomAD 0.007%). This variant has not been reported in the literature in individuals affected with FAT2-related conditions. ClinVar contains an entry for this variant (Variation ID: 3093102). An algorithm developed to predict the effect of missense changes on protein structure and function outputs the following: PolyPhen-2: "Benign". The leucine amino acid residue is found in multiple mammalian species, which suggests that this missense change does not adversely affect protein function. In summary, the available evidence is currently insufficient to determine the role of this variant in disease. Therefore, it has been classified as a Variant of Uncertain Significance.

Ambry Genetics
Classification: Uncertain significance. Last evaluated: 2024-02-27. Review status: criteria provided, single submitter. Criteria: Ambry Variant Classification Scheme 2023. Collection method: clinical testing. Allele origin: germline.